The following is an entry in ClinVar:

NM_021100.5(NFS1):c.1310+257C>T

Gene: NFS1 (NFS1 cysteine desulfurase; minus strand). Cytogenetic location: 20q11.22.
Variant type: single nucleotide variant.
Coding change: c.1310+257C>T on transcript NM_021100.5 (MANE Select); 257 bases into the intron after coding-DNA position 1310, C replaced by T.
Molecular consequence: intron variant.
Genome position (GRCh38, 1-based): chr20:35,672,498, G>A on the plus strand (C>T on the coding strand, the complement: NFS1 is on the minus strand). VCF-style: chr20-35672498-G-A. GRCh37 (hg19) VCF-style: chr20-34260420-G-A.
Other names: NC_000020.10:g.34260420G>A; c.1157+257C>T (NM_001198989.2).
Identifiers: ClinVar variation 671485 (VCV000671485.2), dbSNP rs6121025, ClinGen allele CA14828676.

ClinVar aggregate classification (germline): Benign (1 of 4 stars; one submission).

Allele frequency attached by ClinVar (database versions not stated): TOPMed 0.06466; gnomAD 0.06488 and 0.06780; 1000 Genomes Project 30x 0.08854; 1000 Genomes Project 0.08946.
gnomAD v4.1: 10,281 of 152,118 alleles (6.8%); highest among the groups gnomAD compares: South Asian, 18%; 424 homozygotes.

Submissions (9):

GeneDx
Classification: Benign. Last evaluated: 2018-06-16. Review status: criteria provided, single submitter. Criteria: GeneDx Variant Classification (06012015). Collection method: clinical testing. Allele origin: germline. Affected: yes.
Comment: This variant is considered likely benign or benign based on one or more of the following criteria: it is a conservative change, it occurs at a poorly conserved position in the protein, it is predicted to be benign by multiple in silico algorithms, and/or has population frequency not consistent with disease.

Dr. Peter K. Rogan Lab, Western University
No classification provided (evidence only). Condition: Acute myeloid leukemia. Review status: no classification provided. Collection method: in vitro. Allele origin: not applicable. Functional consequence: skipped exon. Not counted in ClinVar's aggregate classification.

Dr. Peter K. Rogan Lab, Western University
No classification provided (evidence only). Condition: Acute myeloid leukemia. Review status: no classification provided. Collection method: in vitro. Allele origin: not applicable. Functional consequence: retained intron. Not counted in ClinVar's aggregate classification.

Dr. Peter K. Rogan Lab, Western University
No classification provided (evidence only). Condition: Uterine corpus endometrial carcinoma. Review status: no classification provided. Collection method: in vitro. Allele origin: not applicable. Functional consequence: retained intron. Not counted in ClinVar's aggregate classification.

Dr. Peter K. Rogan Lab, Western University
No classification provided (evidence only). Condition: Cervical cancer. Review status: no classification provided. Collection method: in vitro. Allele origin: not applicable. Functional consequence: retained intron. Not counted in ClinVar's aggregate classification.

Dr. Peter K. Rogan Lab, Western University
No classification provided (evidence only). Condition: Thymoma. Review status: no classification provided. Collection method: in vitro. Allele origin: not applicable. Functional consequence: skipped exon. Not counted in ClinVar's aggregate classification.

Dr. Peter K. Rogan Lab, Western University
No classification provided (evidence only). Condition: Cholangiocarcinoma. Review status: no classification provided. Collection method: in vitro. Allele origin: not applicable. Functional consequence: retained intron. Not counted in ClinVar's aggregate classification.

Dr. Peter K. Rogan Lab, Western University
No classification provided (evidence only). Condition: Ovarian serous cystadenocarcinoma. Review status: no classification provided. Collection method: in vitro. Allele origin: not applicable. Functional consequence: retained intron. Not counted in ClinVar's aggregate classification.

Dr. Peter K. Rogan Lab, Western University
No classification provided (evidence only). Condition: Ovarian serous cystadenocarcinoma. Review status: no classification provided. Collection method: in vitro. Allele origin: not applicable. Functional consequence: retained intron. Not counted in ClinVar's aggregate classification.